The following is an entry in ClinVar:

ClinVar aggregate classification (germline): Uncertain significance (1 of 4 stars; one submission).

Allele frequency attached by ClinVar (database versions not stated): gnomAD exomes below 0.00001.

Submission:

CeGaT Center for Human Genetics Tuebingen
Classification: Uncertain significance. Last evaluated: 2022-05-01. Review status: criteria provided, single submitter. Criteria: CeGaT Center For Human Genetics Tuebingen Variant Classification Criteria Version 2. Collection method: clinical testing. Allele origin: germline. Affected: yes. Observed: 1 variant allele.
Comment: IGSF10: PM2

NM_178822.5(IGSF10):c.5374C>T (p.Gln1792Ter)

Gene: IGSF10 (immunoglobulin superfamily member 10; minus strand). Cytogenetic location: 3q25.1.
Variant type: single nucleotide variant.
Coding change: c.5374C>T on transcript NM_178822.5 (MANE Select); coding-DNA position 5374, C replaced by T.
Protein change: p.Gln1792Ter; replaces glutamine 1792 with a stop codon.
Molecular consequence: nonsense.
Genome position (GRCh38, 1-based): chr3:151,443,573, G>A on the plus strand (C>T on the coding strand, the complement: IGSF10 is on the minus strand). VCF-style: chr3-151443573-G-A. GRCh37 (hg19) VCF-style: chr3-151161361-G-A.
Other names: c.5374C>T, p.Gln1792Ter (NM_001385060.1, NM_001385061.1, NM_001385062.1 and 1 more transcripts); short protein forms Q1792*.
Identifiers: ClinVar variation 2654237 (VCV002654237.24), dbSNP rs1032784891, ClinGen allele CA85732446.